The following is an entry in ClinVar:

NM_000391.4(TPP1):c.917del (p.Gln306fs)

Gene: TPP1 (tripeptidyl peptidase 1; minus strand). Cytogenetic location: 11p15.4.
Variant type: Deletion.
Coding change: c.917del on transcript NM_000391.4 (MANE Select); coding-DNA position 917, one base deleted (A; older notation c.917delA).
Protein change: p.Gln306fs; shifts the reading frame from glutamine 306.
Molecular consequence: frameshift variant.
Genome position (GRCh38, 1-based): chr11:6,616,473, T deleted on the plus strand (A on the coding strand, the reverse complement: TPP1 is on the minus strand). VCF-style (leftmost placement, unchanged base first): chr11-6616472-CT-C. GRCh37 (hg19) VCF-style: chr11-6637703-CT-C.
Other names: short protein forms Q306fs.
Identifiers: ClinVar variation 2012420 (VCV002012420.4), dbSNP rs2493798453, ClinGen allele CA2580084010.

ClinVar aggregate classification (germline): Pathogenic (1 of 4 stars; one submission).

Submission:

Labcorp Genetics (formerly Invitae), Labcorp
Classification: Pathogenic. Last evaluated: 2022-06-30. Review status: criteria provided, single submitter. Criteria: Invitae Variant Classification Sherloc (09022015). Collection method: clinical testing. Allele origin: germline.
Comment: For these reasons, this variant has been classified as Pathogenic. This variant has not been reported in the literature in individuals affected with TPP1-related conditions. This variant is not present in population databases (gnomAD no frequency). This sequence change creates a premature translational stop signal (p.Gln306Argfs*18) in the TPP1 gene. It is expected to result in an absent or disrupted protein product. Loss-of-function variants in TPP1 are known to be pathogenic (PMID: 10330339).

Literature cited by the submitters: PubMed 10330339.